The following is an entry in ClinVar:

ClinVar aggregate classification (germline): Uncertain significance (1 of 4 stars; one submission).

Conditions:
Hereditary cancer-predisposing syndrome. Also called: Tumor predisposition; Neoplastic Syndromes, Hereditary; Hereditary neoplastic syndrome; Hereditary Cancer Syndrome. Identifiers: Orphanet 140162, MedGen C0027672, MeSH D009386, MONDO:0015356.

Submission:

Ambry Genetics
Classification: Uncertain significance for Hereditary cancer-predisposing syndrome. Last evaluated: 2024-08-19. Review status: criteria provided, single submitter. Criteria: Ambry Variant Classification Scheme 2023. Collection method: clinical testing. Allele origin: germline.
Comment: The p.R469M variant (also known as c.1406G>T), located in coding exon 9 of the ATM gene, results from a G to T substitution at nucleotide position 1406. The arginine at codon 469 is replaced by methionine, an amino acid with similar properties. This amino acid position is conserved. In addition, this alteration is predicted to be tolerated by in silico analysis. Based on the available evidence, the clinical significance of this variant remains unclear.

NM_000051.4(ATM):c.1406G>T (p.Arg469Met)

Gene: ATM (ATM serine/threonine kinase; plus strand). Cytogenetic location: 11q22.3.
Variant type: single nucleotide variant.
Coding change: c.1406G>T on transcript NM_000051.4 (MANE Select); coding-DNA position 1406, G replaced by T.
Protein change: p.Arg469Met; replaces arginine 469 with methionine.
Molecular consequence: missense variant.
Genome position (GRCh38, 1-based): chr11:108,250,871, G>T. VCF-style: chr11-108250871-G-T. GRCh37 (hg19) VCF-style: chr11-108121598-G-T.
Other names: c.1406G>T, p.Arg469Met (NM_001351834.2); short protein forms R469M.
Identifiers: ClinVar variation 3450704 (VCV003450704.1).